The following is an entry in ClinVar:

NM_014208.3(DSPP):c.3465C>A (p.Asp1155Glu)

Genes: DMP1-AS1 (DMP1 and DSPP antisense RNA 1; minus strand), DSPP (dentin sialophosphoprotein; plus strand). Cytogenetic location: 4q22.1.
Variant type: single nucleotide variant.
Coding change: c.3465C>A on transcript NM_014208.3 (MANE Select); coding-DNA position 3465, C replaced by A.
Protein change: p.Asp1155Glu; replaces aspartic acid 1155 with glutamic acid.
Molecular consequence: missense variant.
Genome position (GRCh38, 1-based): chr4:87,616,127, C>A. VCF-style: chr4-87616127-C-A. GRCh37 (hg19) VCF-style: chr4-88537279-C-A.
Other names: short protein forms D1155E.
Identifiers: ClinVar variation 3086019 (VCV003086019.2), dbSNP rs111216224, ClinGen allele CA3001723.

ClinVar aggregate classification (germline): Uncertain significance (1 of 4 stars; one submission).

Conditions:
Inborn genetic diseases. Identifiers: MedGen C0950123, MeSH D030342.

Submission:

Ambry Genetics
Classification: Uncertain significance for Inborn genetic diseases. Last evaluated: 2026-06-04. Review status: criteria provided, single submitter. Criteria: Ambry Variant Classification Scheme 2023. Collection method: clinical testing. Allele origin: germline.
Comment: The c.3465C>A (p.D1155E) alteration is located in exon 5 (coding exon 4) of the DSPP gene. This alteration results from a C to A substitution at nucleotide position 3465, causing the aspartic acid (D) at amino acid position 1155 to be replaced by a glutamic acid (E). Based on data from gnomAD, the A allele has an overall frequency of 0.003% (1/33918) total alleles studied. The highest observed frequency was 0.008% (1/11894) of European (non-Finnish) alleles. Based on insufficient or conflicting evidence, the clinical significance of this alteration remains unclear.